The following is an entry in ClinVar:

NM_001244710.2(GFPT1):c.44C>T (p.Thr15Met)

Gene: GFPT1 (glutamine--fructose-6-phosphate transaminase 1; minus strand). Cytogenetic location: 2p13.3.
Variant type: single nucleotide variant.
Coding change: c.44C>T on transcript NM_001244710.2 (MANE Select); coding-DNA position 44, C replaced by T.
Protein change: p.Thr15Met; replaces threonine 15 with methionine.
Molecular consequence: missense variant.
Genome position (GRCh38, 1-based): chr2:69,374,077, G>A on the plus strand (C>T on the coding strand, the complement: GFPT1 is on the minus strand). VCF-style: chr2-69374077-G-A. GRCh37 (hg19) VCF-style: chr2-69601209-G-A.
Other names: c.44C>T, p.Thr15Met (NM_002056.4); c.44C>T (NM_001244710.1); short protein forms T15M.
Identifiers: ClinVar variation 1067128 (VCV001067128.12), dbSNP rs751097758, ClinGen allele CA1693995.
Genomic context (GRCh38, chr2:69,374,077, plus strand): 5'-TATCCTCTGTACTCCAGTCTCTGAAGGCCTTTGATTAGGGTCTCCAGGATTTCTCGTCTC[G>A]TTCGAGGAACATGGTAGTTTAAGTAAGCAAATATACCTGCAAATAAACAAATATTTAATG-3'
Protein context (NP_001231639.1, residues 5-25): FAYLNYHVPR[Thr15Met]RREILETLIK

ClinVar aggregate classification (germline): Pathogenic/Likely pathogenic. Review status: criteria provided, multiple submitters, no conflicts (2 of 4 stars). 4 submissions from 4 submitters: Pathogenic (3); Likely pathogenic (1). Last evaluated 2025-10-02.

Conditions:
Congenital myasthenic syndrome 12 (CMS12). Also called: MYASTHENIC SYNDROME, CONGENITAL, WITH TUBULAR AGGREGATES 1; Myasthenia, congenital, 12, with tubular aggregates. Identifiers: Orphanet 353327, Orphanet 590, MedGen C3552335, MONDO:0012518, OMIM 610542.
Congenital myasthenic syndrome (CMS). Also called: Congenital Myasthenic Syndromes. Identifiers: Orphanet 590, MedGen C0751882, MeSH D020294, MONDO:0018940.

Allele frequency attached by ClinVar (database versions not stated): gnomAD 0.00001 and 0.00002; TOPMed 0.00001.
gnomAD v4.1: 37 of 1,594,098 alleles (0.0023%); highest among the groups gnomAD compares: African/African-American, 0.0027%; no homozygotes.

Submissions (4):

Labcorp Genetics (formerly Invitae), Labcorp
Classification: Pathogenic for Congenital myasthenic syndrome 12. Last evaluated: 2025-10-02. Review status: criteria provided, single submitter. Criteria: Invitae Variant Classification Sherloc (09022015). Collection method: clinical testing. Allele origin: germline.
Comment: This sequence change replaces threonine, which is neutral and polar, with methionine, which is neutral and non-polar, at codon 15 of the GFPT1 protein (p.Thr15Met). This variant is present in population databases (rs751097758, gnomAD 0.004%). This missense change has been observed in individual(s) with congenital myasthenic syndrome (PMID: 21310273, 23569079, 23794683, 28712002; internal data). In at least one individual the data is consistent with being in trans (on the opposite chromosome) from a pathogenic variant. ClinVar contains an entry for this variant (Variation ID: 1067128). An algorithm developed to predict the effect of missense changes on protein structure and function (PolyPhen-2) suggests that this variant is likely to be disruptive. This variant disrupts the p.Thr15 amino acid residue in GFPT1. Other variant(s) that disrupt this residue have been observed in individuals with GFPT1-related conditions (PMID: 21310273), which suggests that this may be a clinically significant amino acid residue. For these reasons, this variant has been classified as Pathogenic.

Fulgent Genetics
Classification: Pathogenic for Congenital myasthenic syndrome 12. Last evaluated: 2024-04-15. Review status: criteria provided, single submitter. Criteria: ACMG Guidelines, 2015. Collection method: clinical testing. Allele origin: germline.

Women's Health and Genetics/Laboratory Corporation of America, LabCorp
Classification: Pathogenic for Congenital myasthenic syndrome. Last evaluated: 2023-08-11. Review status: criteria provided, single submitter. Criteria: LabCorp Variant Classification Summary - May 2015. Collection method: clinical testing. Allele origin: germline.
Comment: Variant summary: GFPT1 c.44C>T (p.Thr15Met) results in a non-conservative amino acid change located in the glutamine amidotransferase type 2 domain (IPR017932) of the encoded protein sequence. Four of five in-silico tools predict a damaging effect of the variant on protein function. The variant allele was found at a frequency of 1.2e-05 in 251206 control chromosomes (gnomAD). c.44C>T has been reported in the literature in multiple bi-allelic individuals affected with Congenital Myasthenic Syndrome (examples: Senderek_2011, Zoltowska_2013, Selcen_2013, Bauche_2017, Gonzalez-Quereda_2020, Zhao_2021, An_2022). These data indicate that the variant is very likely to be associated with disease. The following publications have been ascertained in the context of this evaluation (PMID: 36188410, 28712002, 32403337, 23794683, 21310273, 33756069, 23569079). One submitter has cited clinical-significance assessments for this variant to ClinVar after 2014 and has classified the variant as likely pathogenic. Based on the evidence outlined above, the variant was classified as pathogenic.

Clinical Genetics Service, Universitary Hospital 12 de Octubre
Classification: Likely pathogenic for Congenital myasthenic syndrome 12. Review status: criteria provided, single submitter. Criteria: ACMG Guidelines, 2015. Collection method: clinical testing. Allele origin: germline. Affected: yes.

Literature cited by the submitters: PubMed 21310273 (cited by Labcorp Genetics (formerly Invitae), Labcorp and Women's Health and Genetics/Laboratory Corporation of America, LabCorp); PubMed 23569079 (cited by Labcorp Genetics (formerly Invitae), Labcorp and Women's Health and Genetics/Laboratory Corporation of America, LabCorp); PubMed 23794683 (cited by Labcorp Genetics (formerly Invitae), Labcorp and Women's Health and Genetics/Laboratory Corporation of America, LabCorp); PubMed 28712002 (cited by Labcorp Genetics (formerly Invitae), Labcorp and Women's Health and Genetics/Laboratory Corporation of America, LabCorp); PubMed 32403337 (cited by Women's Health and Genetics/Laboratory Corporation of America, LabCorp); PubMed 33756069 (cited by Women's Health and Genetics/Laboratory Corporation of America, LabCorp); PubMed 36188410 (cited by Women's Health and Genetics/Laboratory Corporation of America, LabCorp).